The following is an entry in ClinVar:

ClinVar aggregate classification (germline): Benign. Review status: criteria provided, single submitter (1 of 4 stars). 2 submissions from 2 submitters: Benign (1). 1 of the submissions does not count toward it. Last evaluated 2019-10-17.

Conditions:
Leber optic atrophy (LHON). Also called: Leber's disease; Leber's optic atrophy; Leber hereditary optic neuropathy; Optic Atrophy, Hereditary, Leber. Identifiers: Orphanet 104, MedGen C0917796, MONDO:0010788, OMIM 535000, HP:0001112.
Leigh syndrome (NULS). Also called: LEIGH SYNDROME, NUCLEAR; Leigh's syndrome; Subacute necrotizing encephalopathy; Necrotizing encephalopathy infantile subacute of Leigh; Leigh Disease; Leigh Syndrome (mtDNA deletion). Identifiers: Orphanet 506, MedGen C2931891, MONDO:0009723, OMIM 256000.

Submissions (2):

Wong Mito Lab, Molecular and Human Genetics, Baylor College of Medicine
Classification: Benign for Leigh syndrome. Last evaluated: 2019-10-17. Review status: criteria provided, single submitter. Criteria: Modified ACMG Guidelines (Unpublished). Collection method: clinical testing. Allele origin: germline.
Comment: The NC_012920.1:m.14325T>C (YP_003024037.1:p.Asn117Asp) variant in MTND6 gene is interpretated to be a Benign variant based on the modified ACMG guidelines (unpublished). This variant meets the following evidence codes: BS2, BS4

GeneReviews
No classification provided. Condition: Leber optic atrophy. Review status: no classification provided. Collection method: literature only. Allele origin: maternal. Not counted in ClinVar's aggregate classification.

Literature cited by the submitters: PubMed 29987491 (cited by Wong Mito Lab, Molecular and Human Genetics, Baylor College of Medicine); PubMed 12736867 (cited by Wong Mito Lab, Molecular and Human Genetics, Baylor College of Medicine); PubMed 30143805 (cited by GeneReviews); PubMed 20301353 (cited by GeneReviews).

NC_012920.1(MT-ND6):m.14325T>C

Gene: MT-ND6 (mitochondrially encoded NADH dehydrogenase 6; minus strand).
Variant type: single nucleotide variant.
Genome position: chrM-14325-T-C.
Identifiers: ClinVar variation 65512 (VCV000065512.4), dbSNP rs397515505, ClinGen allele CA344823.